The following is an entry in ClinVar:

NM_003718.5(CDK13):c.1304A>G (p.His435Arg)

Gene: CDK13 (cyclin dependent kinase 13; plus strand). Cytogenetic location: 7p14.1.
Variant type: single nucleotide variant.
Coding change: c.1304A>G on transcript NM_003718.5 (MANE Select); coding-DNA position 1304, A replaced by G.
Protein change: p.His435Arg; replaces histidine 435 with arginine.
Molecular consequence: missense variant.
Genome position (GRCh38, 1-based): chr7:39,987,691, A>G. VCF-style: chr7-39987691-A-G. GRCh37 (hg19) VCF-style: chr7-40027290-A-G.
Other names: c.1304A>G, p.His435Arg (NM_031267.4); short protein forms H435R.
Identifiers: ClinVar variation 2117713 (VCV002117713.4), dbSNP rs2483752483, ClinGen allele CA367281945.

ClinVar aggregate classification (germline): Uncertain significance (1 of 4 stars; one submission).

Submission:

Labcorp Genetics (formerly Invitae), Labcorp
Classification: Uncertain significance. Last evaluated: 2023-11-03. Review status: criteria provided, single submitter. Criteria: Invitae Variant Classification Sherloc (09022015). Collection method: clinical testing. Allele origin: germline.
Comment: This sequence change replaces histidine, which is basic and polar, with arginine, which is basic and polar, at codon 435 of the CDK13 protein (p.His435Arg). This variant is not present in population databases (gnomAD no frequency). This variant has not been reported in the literature in individuals affected with CDK13-related conditions. ClinVar contains an entry for this variant (Variation ID: 2117713). Advanced modeling of protein sequence and biophysical properties (such as structural, functional, and spatial information, amino acid conservation, physicochemical variation, residue mobility, and thermodynamic stability) performed at Invitae indicates that this missense variant is not expected to disrupt CDK13 protein function with a negative predictive value of 95%. In summary, the available evidence is currently insufficient to determine the role of this variant in disease. Therefore, it has been classified as a Variant of Uncertain Significance.